The following is an entry in ClinVar:

NM_001164508.2(NEB):c.23500G>T (p.Val7834Phe)

Genes: RIF1 (replication timing regulatory factor 1; plus strand), NEB (nebulin; minus strand). Cytogenetic location: 2q23.3.
Variant type: single nucleotide variant.
Coding change: c.23500G>T on transcript NM_001164508.2 (MANE Select); coding-DNA position 23500, G replaced by T.
Protein change: p.Val7834Phe; replaces valine 7834 with phenylalanine.
Molecular consequence: missense variant.
Genome position (GRCh38, 1-based): chr2:151,506,965, C>A on the plus strand (G>T on the coding strand, the complement: NEB is on the minus strand). VCF-style: chr2-151506965-C-A. GRCh37 (hg19) VCF-style: chr2-152363479-C-A.
Other names: c.23500G>T, p.Val7834Phe (NM_001164507.2); c.23605G>T, p.Val7869Phe (NM_001271208.2); c.18397G>T, p.Val6133Phe (NM_004543.5); short protein forms V7869F, V7834F, V6133F.
Identifiers: ClinVar variation 451955 (VCV000451955.3), dbSNP rs1553601424, ClinGen allele CA348784619.
Genomic context (GRCh38, chr2:151,506,965, plus strand): 5'-ATACCGAGCTGAAATTCTTCTGATTTTCTTTTACACGCAGTATTTCTGGCGTGTCTTGAA[C>A]AACTGTAATTTTTCCTTTACTGTTTTTAAGGTCACACTGGTATTGGAGCTATGAAGAAAG-3'
Protein context (NP_001157980.2, residues 7824-7844): LKNSKGKITV[Val7834Phe]QDTPEILRVK

ClinVar aggregate classification (germline): Uncertain significance. Review status: criteria provided, single submitter (1 of 4 stars). 2 submissions from 2 submitters: Uncertain significance (1). 1 of the submissions does not count toward it. Last evaluated 2017-09-13.

Conditions:
Nemaline myopathy 2 (NEM2). Also called: Nemaline myopathy 2, autosomal recessive. Identifiers: MedGen C1850569, MONDO:0009725, OMIM 256030.

Allele frequency attached by ClinVar (database versions not stated): gnomAD exomes below 0.00001.
gnomAD v4.1: 3 of 1,611,480 alleles (0.00019%); highest among the groups gnomAD compares: Non-Finnish European, 0.00025%; no homozygotes.

Submissions (2):

GeneDx
Classification: Uncertain significance. Last evaluated: 2017-09-13. Review status: criteria provided, single submitter. Criteria: GeneDx Variant Classification (06012015). Collection method: clinical testing. Allele origin: germline. Affected: yes.
Comment: A variant of uncertain significance has been identified in the NEB gene. The V7869F variant has not been published as a pathogenic variant, nor has it been reported as a benign variant to our knowledge. The V7869F variant is not observed in large population cohorts (Lek et al., 2016; 1000 Genomes Consortium et al., 2015; Exome Variant Server). The V7869F variant is a semi-conservative amino acid substitution, which may impact secondary protein structure as these residues differ in some properties. This substitution occurs at a position that is conserved across species, and in silico analysis predicts this variant is probably damaging to the protein structure/function. Based on the currently available information, it is unclear whether this variant is a pathogenic variant or a rare benign variant.

Natera, Inc.
Classification: Uncertain significance for Nemaline myopathy type 2. Last evaluated: 2021-08-23. Review status: no assertion criteria provided. Collection method: clinical testing. Allele origin: germline. Not counted in ClinVar's aggregate classification.